The following is an entry in ClinVar:

NM_000228.3(LAMB3):c.459C>A (p.Cys153Ter)

Gene: LAMB3 (laminin subunit beta 3; minus strand). Cytogenetic location: 1q32.2.
Variant type: single nucleotide variant.
Coding change: c.459C>A on transcript NM_000228.3 (MANE Select); coding-DNA position 459, C replaced by A.
Protein change: p.Cys153Ter; replaces cysteine 153 with a stop codon.
Molecular consequence: nonsense.
Genome position (GRCh38, 1-based): chr1:209,634,552, G>T on the plus strand (C>A on the coding strand, the complement: LAMB3 is on the minus strand). VCF-style: chr1-209634552-G-T. GRCh37 (hg19) VCF-style: chr1-209807897-G-T.
Other names: c.459C>A, p.Cys153Ter (NM_001017402.2, NM_001127641.1); short protein forms C153*.
Identifiers: ClinVar variation 984222 (VCV000984222.3), dbSNP rs565416040, ClinGen allele CA344595992.

ClinVar aggregate classification (germline): Likely pathogenic (1 of 4 stars; one submission).

Conditions:
Junctional epidermolysis bullosa gravis of Herlitz. Also called: Herlitz-type junctional epidermolysis bullosa; Epidermolysis Bullosa Letalis; EPIDERMOLYSIS BULLOSA, JUNCTIONAL 1B, SEVERE; EPIDERMOLYSIS BULLOSA JUNCTIONALIS, HERLITZ TYPE; EPIDERMOLYSIS BULLOSA, JUNCTIONAL, HERLITZ-PEARSON TYPE; JEB-HERLITZ TYPE. Identifiers: Orphanet 79404, MedGen C0079683, MONDO:0009182, OMIM 226700.

Submission:

Myriad Genetics, Inc.
Classification: Likely pathogenic for Junctional epidermolysis bullosa gravis of Herlitz. Last evaluated: 2019-05-03. Review status: criteria provided, single submitter. Criteria: Myriad Women's Health Autosomal Recessive and X-Linked Classification Criteria (2019). Collection method: clinical testing. Allele origin: unknown.
Comment: NM_000228.2(LAMB3):c.459C>A(C153*) is expected to be pathogenic in the context of Herlitz junctional epidermolysis bullosa, LAMB3-related. This variant is predicted to lead to an abnormal or absent protein product due to the creation of a premature termination codon in LAMB3, a gene where loss-of-function variants are known to be pathogenic. Please note: this variant was assessed in the context of healthy population screening.